The following is an entry in ClinVar:

ClinVar aggregate classification (germline): Conflicting classifications of pathogenicity. Review status: criteria provided, conflicting classifications (1 of 4 stars). 3 submissions from 3 submitters: Uncertain significance (2); Likely benign (1). Last evaluated 2024-05-13.

Conditions:
Blepharophimosis - intellectual disability syndrome, SBBYS type (SBBYSS). Also called: Say-Barber-Biesecker-Young-Simpson syndrome; Young Simpson syndrome; Mental retardation unusual facies hypothyroidism; Say-Barber-Biesecker variant of Ohdo syndrome (SBBYSS); Say-Barber-Biesecker-Young-Simpson variant of Ohdo Syndrome; Say-Barber-Biesecker Variant of Ohdo Syndrome. Identifiers: Orphanet 3047, MedGen C1863557, MONDO:0011365, OMIM 603736.
Genitopatellar syndrome (GTPTS). Also called: ABSENT PATELLAE, SCROTAL HYPOPLASIA, RENAL ANOMALIES, FACIAL DYSMORPHISM, AND MENTAL RETARDATION; Genitopatellar syndrome (GPS). Identifiers: Orphanet 85201, MedGen C1853566, MONDO:0011640, OMIM 606170.

Allele frequency attached by ClinVar (database versions not stated): gnomAD exomes below 0.00001; gnomAD 0.00001; TOPMed 0.00002.
gnomAD v4.1: 5 of 1,614,056 alleles (0.00031%); highest among the groups gnomAD compares: African/African-American, 0.0053%; no homozygotes.

Submissions (3):

Labcorp Genetics (formerly Invitae), Labcorp
Classification: Likely benign for Genitopatellar syndrome. Last evaluated: 2024-05-13. Review status: criteria provided, single submitter. Criteria: Invitae Variant Classification Sherloc (09022015). Collection method: clinical testing. Allele origin: germline.

Fulgent Genetics
Classification: Uncertain significance for Blepharophimosis - intellectual disability syndrome, SBBYS type; Genitopatellar syndrome. Last evaluated: 2022-01-20. Review status: criteria provided, single submitter. Criteria: ACMG Guidelines, 2015. Collection method: clinical testing. Allele origin: unknown.

GeneDx
Classification: Uncertain significance. Last evaluated: 2018-01-23. Review status: criteria provided, single submitter. Criteria: GeneDx Variant Classification (06012015). Collection method: clinical testing. Allele origin: germline. Affected: yes.
Comment: The H562R variant has not been published as a pathogenic variant, nor has it been reported as a benign variant to our knowledge. This variant is not observed in large population cohorts (Lek et al., 2016). The H562R variant is a conservative amino acid substitution, which is not likely to impact secondary protein structure as these residues share similar properties. In-silico analyses, including protein predictors and evolutionary conservation, support that this variant does not alter protein structure/function. Based on the currently available information, it is unclear whether this variant is a pathogenic variant or a rare benign variant. We consider it to be a variant of uncertain significance.

NM_012330.4(KAT6B):c.1685A>G (p.His562Arg)

Gene: KAT6B (lysine acetyltransferase 6B; plus strand). Cytogenetic location: 10q22.2.
Variant type: single nucleotide variant.
Coding change: c.1685A>G on transcript NM_012330.4 (MANE Select); coding-DNA position 1685, A replaced by G.
Protein change: p.His562Arg; replaces histidine 562 with arginine.
Molecular consequence: missense variant. On other transcripts: intron variant (13).
Genome position (GRCh38, 1-based): chr10:74,976,022, A>G. VCF-style: chr10-74976022-A-G. GRCh37 (hg19) VCF-style: chr10-76735780-A-G.
Other names: c.1685A>G, p.His562Arg (NM_001370136.1, NM_001370137.1); c.1117+568A>G (NM_001370139.1, NM_001370140.1, NM_001370141.1 and 3 more transcripts); c.1444+241A>G (NM_001370138.1, NM_001256468.2); c.846+6247A>G (NM_001370133.1); c.193-3202A>G (NM_001370134.1); c.929-1294A>G (NM_001370143.1, NM_001370144.1); c.193-12997A>G (NM_001370135.1); short protein forms H562R.
Identifiers: ClinVar variation 561722 (VCV000561722.4), dbSNP rs1019373559, ClinGen allele CA209703445.